The following is an entry in ClinVar:

ClinVar aggregate classification (germline): Uncertain significance (1 of 4 stars; one submission).

Conditions:
Benign neonatal seizures. Also called: Benign familial neonatal seizures; Convulsions benign familial neonatal dominant form; Autosomal dominant form of benign neonatal seizures; Benign neonatal familial convulsions; Benign familial neonatal epilepsy. Identifiers: Orphanet 1949, MedGen C0220669, MONDO:0016027.

Submission:

Labcorp Genetics (formerly Invitae), Labcorp
Classification: Uncertain significance for Benign neonatal seizures. Last evaluated: 2023-08-28. Review status: criteria provided, single submitter. Criteria: Invitae Variant Classification Sherloc (09022015). Collection method: clinical testing. Allele origin: germline.
Comment: In summary, the available evidence is currently insufficient to determine the role of this variant in disease. Therefore, it has been classified as a Variant of Uncertain Significance. Variants that disrupt the consensus splice site are a relatively common cause of aberrant splicing (PMID: 17576681, 9536098). Algorithms developed to predict the effect of sequence changes on RNA splicing suggest that this variant may disrupt the consensus splice site. An algorithm developed to predict the effect of missense changes on protein structure and function (PolyPhen-2) suggests that this variant is likely to be disruptive. This variant has not been reported in the literature in individuals affected with KCNQ3-related conditions. This variant is not present in population databases (gnomAD no frequency). This sequence change replaces arginine, which is basic and polar, with lysine, which is basic and polar, at codon 567 of the KCNQ3 protein (p.Arg567Lys). This variant also falls at the last nucleotide of exon 12, which is part of the consensus splice site for this exon.

Literature cited by the submitters: PubMed 17576681; PubMed 9536098.

NM_004519.4(KCNQ3):c.1700G>A (p.Arg567Lys)

Gene: KCNQ3 (potassium voltage-gated channel subfamily Q member 3; minus strand). Cytogenetic location: 8q24.22.
Variant type: single nucleotide variant.
Coding change: c.1700G>A on transcript NM_004519.4 (MANE Select); coding-DNA position 1700, G replaced by A.
Protein change: p.Arg567Lys; replaces arginine 567 with lysine.
Molecular consequence: missense variant.
Genome position (GRCh38, 1-based): chr8:132,137,885, C>T on the plus strand (G>A on the coding strand, the complement: KCNQ3 is on the minus strand). VCF-style: chr8-132137885-C-T. GRCh37 (hg19) VCF-style: chr8-133150132-C-T.
Other names: c.1340G>A, p.Arg447Lys (NM_001204824.2); short protein forms R447K, R567K.
Identifiers: ClinVar variation 2742777 (VCV002742777.3), dbSNP rs2536875131, ClinGen allele CA372218784.